The following is an entry in ClinVar:

NM_002156.5(HSPD1):c.532G>A (p.Gly178Arg)

Gene: HSPD1 (heat shock protein family D (Hsp60) member 1; minus strand). Cytogenetic location: 2q33.1.
Variant type: single nucleotide variant.
Coding change: c.532G>A on transcript NM_002156.5 (MANE Select); coding-DNA position 532, G replaced by A.
Protein change: p.Gly178Arg; replaces glycine 178 with arginine.
Molecular consequence: missense variant.
Genome position (GRCh38, 1-based): chr2:197,494,731, C>T on the plus strand (G>A on the coding strand, the complement: HSPD1 is on the minus strand). VCF-style: chr2-197494731-C-T. GRCh37 (hg19) VCF-style: chr2-198359455-C-T.
Other names: c.532G>A, p.Gly178Arg (NM_199440.2); short protein forms G178R.
Identifiers: ClinVar variation 1508881 (VCV001508881.8), dbSNP rs763177690, ClinGen allele CA2043571.

ClinVar aggregate classification (germline): Uncertain significance (1 of 4 stars; one submission).

Conditions:
Spastic paraplegia. Identifiers: MedGen C0037772, HP:0001258.

Allele frequency attached by ClinVar (database versions not stated): gnomAD exomes below 0.00001; ExAC 0.00001.
gnomAD v4.1: 2 of 1,612,524 alleles (0.00012%); highest among the groups gnomAD compares: East Asian, 0.0022%; no homozygotes.

Submission:

Labcorp Genetics (formerly Invitae), Labcorp
Classification: Uncertain significance for Spastic paraplegia. Last evaluated: 2021-06-02. Review status: criteria provided, single submitter. Criteria: Invitae Variant Classification Sherloc (09022015). Collection method: clinical testing. Allele origin: germline.
Comment: In summary, the available evidence is currently insufficient to determine the role of this variant in disease. Therefore, it has been classified as a Variant of Uncertain Significance. Algorithms developed to predict the effect of sequence changes on RNA splicing suggest that this variant may create or strengthen a splice site, but this prediction has not been confirmed by published transcriptional studies. This sequence change replaces glycine with arginine at codon 178 of the HSPD1 protein (p.Gly178Arg). The glycine residue is highly conserved and there is a moderate physicochemical difference between glycine and arginine. This variant is present in population databases (rs763177690, ExAC 0.01%). This variant has not been reported in the literature in individuals with HSPD1-related conditions. Algorithms developed to predict the effect of missense changes on protein structure and function are either unavailable or do not agree on the potential impact of this missense change (SIFT: "Tolerated"; PolyPhen-2: "Possibly Damaging"; Align-GVGD: "Class C0").